The following is an entry in ClinVar:

ClinVar aggregate classification (germline): Uncertain significance (1 of 4 stars; one submission).

Conditions:
Charcot-Marie-Tooth disease axonal type 2O. Also called: CHARCOT-MARIE-TOOTH NEUROPATHY, AXONAL, TYPE 2O; CHARCOT-MARIE-TOOTH DISEASE, AXONAL, AUTOSOMAL DOMINANT, TYPE 2O; Charcot-Marie-Tooth Neuropathy Type 2O; Charcot-Marie-Tooth disease, axonal, type 20. Identifiers: Orphanet 284232, MedGen C3280220, MONDO:0013644, OMIM 614228.

Submission:

Labcorp Genetics (formerly Invitae), Labcorp
Classification: Uncertain significance for Charcot-Marie-Tooth disease axonal type 2O. Last evaluated: 2025-09-16. Review status: criteria provided, single submitter. Criteria: Invitae Variant Classification Sherloc (09022015). Collection method: clinical testing. Allele origin: germline.
Comment: This sequence change replaces isoleucine, which is neutral and non-polar, with methionine, which is neutral and non-polar, at codon 1756 of the DYNC1H1 protein (p.Ile1756Met). This variant is not present in population databases (gnomAD no frequency). This variant has not been reported in the literature in individuals affected with DYNC1H1-related conditions. Invitae Evidence Modeling of protein sequence and biophysical properties (such as structural, functional, and spatial information, amino acid conservation, physicochemical variation, residue mobility, and thermodynamic stability) indicates that this missense variant is not expected to disrupt DYNC1H1 protein function with a negative predictive value of 95%. In summary, the available evidence is currently insufficient to determine the role of this variant in disease. Therefore, it has been classified as a Variant of Uncertain Significance.

NM_001376.5(DYNC1H1):c.5268A>G (p.Ile1756Met)

Gene: DYNC1H1 (dynein cytoplasmic 1 heavy chain 1; plus strand). Cytogenetic location: 14q32.31.
Variant type: single nucleotide variant.
Coding change: c.5268A>G on transcript NM_001376.5 (MANE Select); coding-DNA position 5268, A replaced by G.
Protein change: p.Ile1756Met; replaces isoleucine 1756 with methionine.
Molecular consequence: missense variant.
Genome position (GRCh38, 1-based): chr14:102,005,071, A>G. VCF-style: chr14-102005071-A-G. GRCh37 (hg19) VCF-style: chr14-102471408-A-G.
Other names: short protein forms I1756M.
Identifiers: ClinVar variation 4693421 (VCV004693421.1).